The following is an entry in ClinVar:

NM_001854.4(COL11A1):c.1314G>A (p.Met438Ile)

Gene: COL11A1 (collagen type XI alpha 1 chain; minus strand). Cytogenetic location: 1p21.1.
Variant type: single nucleotide variant.
Coding change: c.1314G>A on transcript NM_001854.4 (MANE Select); coding-DNA position 1314, G replaced by A.
Protein change: p.Met438Ile; replaces methionine 438 with isoleucine.
Molecular consequence: missense variant. On other transcripts: non-coding transcript variant (1).
Genome position (GRCh38, 1-based): chr1:103,018,854, C>T on the plus strand (G>A on the coding strand, the complement: COL11A1 is on the minus strand). VCF-style: chr1-103018854-C-T. GRCh37 (hg19) VCF-style: chr1-103484410-C-T.
Other names: c.1197G>A, p.Met399Ile (NM_001190709.2); c.1350G>A, p.Met450Ile (NM_080629.3); c.966G>A, p.Met322Ile (NM_080630.4); short protein forms M322I, M399I, M438I, M450I.
Identifiers: ClinVar variation 1027557 (VCV001027557.3), dbSNP rs1666772918, ClinGen allele CA341180488.
Genomic context (GRCh38, chr1:103,018,854, plus strand): 5'-AATAATCTTAAAACATTTACATACTGCAGGTCCTGCTGGTCCTGGTGGTCCTTCGACAAG[C>T]ATACCCTATAACAGGAAAAGAGAACATCTCTACCAGGGAAATATAACCCCCAACCTCTTA-3'
Protein context (NP_001845.3, residues 428-448): KGEPAVVEPG[Met438Ile]LVEGPPGPAG

ClinVar aggregate classification (germline): Uncertain significance (1 of 4 stars; one submission).

Conditions:
Childhood onset hearing loss.

Submission:

National Institute on Deafness and Communication Disorders, National Institutes of Health
Classification: Uncertain significance for Childhood onset hearing loss. Last evaluated: 2021-07-08. Review status: criteria provided, single submitter. Criteria: ClinGen HL ACMG Specifications v1. Collection method: research. Allele origin: germline. Inheritance: Autosomal dominant inheritance. Affected: yes. Observed: 1 heterozygote. Segregation with disease not observed.
Comment: PM2, PP3 (non REVEL) / Modifications from PMID: 30311386 for classification: The genetic causes of hearing loss have not yet been well characterized in the Yoruba population, and the information regarding variant MAF in this population is still limited, so we did not exclude any variant based on their "high" MAF. PP3 criteria was applied even if the REVEL score was below 0.7, if at least two of the pathogenicity prediction algorithms used predicted that the variant was damaging or likely damaging.

was found associated with NM_001854.4:c.4049C>G